The following is an entry in ClinVar:

NM_001009944.3(PKD1):c.152G>C (p.Cys51Ser)

Gene: PKD1 (polycystin 1, transient receptor potential channel interacting; minus strand). Cytogenetic location: 16p13.3.
Variant type: single nucleotide variant.
Coding change: c.152G>C on transcript NM_001009944.3 (MANE Select); coding-DNA position 152, G replaced by C.
Protein change: p.Cys51Ser; replaces cysteine 51 with serine.
Molecular consequence: missense variant.
Genome position (GRCh38, 1-based): chr16:2,135,538, C>G on the plus strand (G>C on the coding strand, the complement: PKD1 is on the minus strand). VCF-style: chr16-2135538-C-G. GRCh37 (hg19) VCF-style: chr16-2185539-C-G.
Other names: NM_001009944.3(PKD1):p.(Cys51Ser); c.152G>C, p.Cys51Ser (NM_000296.4); short protein forms C51S.
Identifiers: ClinVar variation 4875652 (VCV004875652.1).

ClinVar aggregate classification (germline): Likely pathogenic (1 of 4 stars; one submission).

Conditions:
Polycystic kidney disease, adult type (PKD1). Also called: Polycystic Kidney, Autosomal Dominant; POLYCYSTIC KIDNEY DISEASE, ADULT, TYPE I; Polycystic Kidney Disease 1, Autosomal Dominant; Polycystic kidney disease 1; Polycystic kidney disease 1, severe; POLYCYSTIC KIDNEY DISEASE 1 WITH OR WITHOUT POLYCYSTIC LIVER DISEASE. Identifiers: MedGen C3149841, MONDO:0008263, OMIM 173900.

Submission:

Department of Medical Genetics, Ordu University Medical School Training and Research Hospital
Classification: Likely pathogenic for Polycystic kidney disease, adult type. Last evaluated: 2026-06-21. Review status: criteria provided, single submitter. Criteria: ACMG Guidelines, 2015. Collection method: clinical testing. Allele origin: germline. Affected: yes. Observed: 1 variant allele.
Comment: N-terminal LRR domain. ACMG-AMP: PM1, PM2_supporting, PP3. Absent from gnomAD v4.1. REVEL 0.74; CADD 28.1; AlphaMissense 0.88; PhyloP100way 7.41. Cys51 forms a predicted disulfide bridge with Cys64. Novel at the nucleotide level; the same amino-acid substitution via a different nucleotide change (c.151T>A) is reported in ClinVar (VCV003066097.1) as Uncertain significance.